The following is an entry in ClinVar:

ClinVar aggregate classification (germline): Pathogenic. Review status: criteria provided, multiple submitters, no conflicts (2 of 4 stars). 6 submissions from 6 submitters: Pathogenic (5). 1 of the submissions does not count toward it. Last evaluated 2026-07-28.

Conditions:
Dubin-Johnson syndrome (DJS). Also called: Jaundice, Chronic Idiopathic; Hyperbilirubinemia type 2; HYPERBILIRUBINEMIA, DUBIN-JOHNSON TYPE. Identifiers: Orphanet 234, MedGen C0022350, MONDO:0009380, OMIM 237500.
ABCC2-related disorder. Also called: ABCC2-related condition.
Inborn genetic diseases. Identifiers: MedGen C0950123, MeSH D030342.

Submissions (6):

PreventionGenetics, part of Exact Sciences
Classification: Pathogenic for ABCC2-related condition. Last evaluated: 2026-07-28. Review status: criteria provided, single submitter. Criteria: ACMG Guidelines, 2015. Collection method: clinical testing. Allele origin: germline.
Comment: The ABCC2 c.4239_4240dupTC variant is predicted to result in a frameshift and premature protein termination (p.His1414Leufs*18). This variant was reported in an individual with intrahepatic cholestasis (Table S1, Wang et al 2020. PubMed ID: 31450232). This variant is reported in 0.027% of alleles in individuals of East Asian descent in gnomAD. Frameshift variants in ABCC2 are expected to be pathogenic. This variant is interpreted as pathogenic.

Labcorp Genetics (formerly Invitae), Labcorp
Classification: Pathogenic. Last evaluated: 2023-11-18. Review status: criteria provided, single submitter. Criteria: Invitae Variant Classification Sherloc (09022015). Collection method: clinical testing. Allele origin: germline.
Comment: This sequence change creates a premature translational stop signal (p.His1414Leufs*18) in the ABCC2 gene. It is expected to result in an absent or disrupted protein product. Loss-of-function variants in ABCC2 are known to be pathogenic (PMID: 9185779, 16549534, 16952291). This variant is present in population databases (rs762346634, gnomAD 0.03%). This premature translational stop signal has been observed in individual(s) with clinical features of ABCC2-related conditions (PMID: 31450232). ClinVar contains an entry for this variant (Variation ID: 818031). For these reasons, this variant has been classified as Pathogenic.

Ambry Genetics
Classification: Pathogenic for Inborn genetic diseases. Last evaluated: 2019-10-04. Review status: criteria provided, single submitter. Criteria: Ambry exome assertion method (8-5-2015). Collection method: clinical testing. Allele origin: germline. Affected: yes. Observed: 1 variant allele.

GeneDx
Classification: Pathogenic. Last evaluated: 2019-03-05. Review status: criteria provided, single submitter. Criteria: GeneDx Variant Classification (06012015). Collection method: clinical testing. Allele origin: germline. Affected: yes.
Comment: The c.4239_4240dupTC variant in the ABCC2 gene has not been reported previously as a pathogenic variant nor as a benign variant, to our knowledge. The c.4239_4240dupTC variant causes a frameshift starting with codon Histidine 1414, changes this amino acid to a Leucine residue, and creates a premature Stop codon at position 18 of the new reading frame, denoted p.His1414LeufsX18. This variant is predicted to cause loss of normal protein function either through protein truncation or nonsense-mediated mRNA decay. The c.4239_4240dupTC variant is observed in 5/17248 (0.029%) alleles from individuals of East Asian background in large population cohorts (Lek et al., 2016). We interpret c.4239_4240dupTC as a pathogenic variant.

Juno Genomics, Hangzhou Juno Genomics, Inc
Classification: Pathogenic for Dubin-Johnson syndrome. Review status: criteria provided, single submitter. Criteria: ACMG Guidelines, 2015. Collection method: clinical testing. Allele origin: germline.
Comment: Absent from controls (or at extremely low frequency if recessive) in Genome Aggregation Database.;Null variant in a gene where loss of function (LOF) is a known mechanism of disease.;For recessive disorders, detected in trans with a pathogenic variant.;Patient's phenotype or family history is highly specific for a disease with a single genetic etiology.

Medical Laboratory Center, Huzhou Maternal and Child Health Hospital
Classification: Pathogenic for Dubin-Johnson syndrome. Review status: no assertion criteria provided. Collection method: research. Allele origin: germline. Not counted in ClinVar's aggregate classification.

Literature cited by the submitters: PubMed 9185779 (cited by Labcorp Genetics (formerly Invitae), Labcorp); PubMed 16549534 (cited by Labcorp Genetics (formerly Invitae), Labcorp); PubMed 16952291 (cited by Labcorp Genetics (formerly Invitae), Labcorp); PubMed 31450232 (cited by Labcorp Genetics (formerly Invitae), Labcorp).

NM_000392.5(ABCC2):c.4239_4240dup (p.His1414fs)

Gene: ABCC2 (ATP binding cassette subfamily C member 2; plus strand). Cytogenetic location: 10q24.2.
Variant type: Duplication.
Coding change: c.4239_4240dup on transcript NM_000392.5 (MANE Select); coding-DNA positions 4239 to 4240, 2 bases duplicated (TC; older notation c.4239_4240dupTC).
Protein change: p.His1414fs; shifts the reading frame from histidine 1414.
Molecular consequence: frameshift variant.
Genome position (GRCh38, 1-based): chr10:99,847,053-99,847,054, TC duplicated; duplicating any 2 consecutive bases within chr10:99,847,052-99,847,054 gives the same sequence; the c. name uses the placement nearest the transcript's 3' end. VCF-style (leftmost placement, unchanged base first): chr10-99847051-G-GCT. GRCh37 (hg19) VCF-style: chr10-101606808-G-GCT.
Other names: short protein forms H1414fs.
Identifiers: ClinVar variation 818031 (VCV000818031.11), dbSNP rs762346634, ClinGen allele CA5644083.